The following is an entry in ClinVar:

ClinVar aggregate classification (germline): Likely pathogenic (1 of 4 stars; one submission).

Conditions:
Alport syndrome. Also called: Hemorrhagic familial nephritis; Hemorrhagic hereditary nephritis; Congenital hereditary hematuria. Identifiers: Orphanet 63, MedGen C1567741, MONDO:0018965.

Submission:

Natera, Inc.
Classification: Likely pathogenic for Alport syndrome. Last evaluated: 2025-12-03. Review status: criteria provided, single submitter. Criteria: Natera Variant Classification Schema (03/2026). Collection method: clinical testing. Allele origin: germline.
Comment: The c.2147_2149del variant in COL4A3 is an in-frame deletion predicted to remove threonine at amino acid 716 while preserving the reading frame. This variant is rare in the general population with a frequency below the threshold expected for the associated phenotype(s). This variant is located in a functionally critical region of the protein. Given the available evidence, this variant is classified as Likely Pathogenic.

NM_000091.5(COL4A3):c.2147_2149del (p.Thr716del)

Genes: MFF-DT (MFF divergent transcript; minus strand), COL4A3 (collagen type IV alpha 3 chain; plus strand). Cytogenetic location: 2q36.3.
Variant type: Deletion.
Coding change: c.2147_2149del on transcript NM_000091.5 (MANE Select); coding-DNA positions 2147 to 2149, 3 bases deleted (CAA; older notation c.2147_2149delCAA).
Protein change: p.Thr716del; deletes threonine 716.
Molecular consequence: inframe deletion. On other transcripts: inframe indel (1).
Genome position (GRCh38, 1-based): chr2:227,279,814-227,279,816, CAA deleted; deleting any 3 consecutive bases within chr2:227,279,813-227,279,816 gives the same sequence; the c. name uses the placement nearest the transcript's 3' end. VCF-style (leftmost placement, unchanged base first): chr2-227279812-TACA-T. GRCh37 (hg19) VCF-style: chr2-228144528-TACA-T.
Other names: c.2147_2149delCAA, p.Thr716del (NM_000091.4); short protein forms T716del.
Identifiers: ClinVar variation 4817214 (VCV004817214.1).
Genomic context (GRCh38, chr2:227,279,812, plus strand): 5'-AGACTAATCCTACAACAATGTTTATTGTTTTTTCTCTGTAGGAGACCAAGGTTTTCCAGG[TACA>T]AAAGGATCACTGGGTTGTCCTGGAAAAATGGGAGAGCCTGGGTTACCTGGAAAGCCAGGC-3'